The following is an entry in ClinVar:

ClinVar aggregate classification (germline): Likely benign. Review status: criteria provided, multiple submitters, no conflicts (2 of 4 stars). 3 submissions from 3 submitters: Likely benign (2). 1 of the submissions does not count toward it. Last evaluated 2019-12-31.

Conditions:
PLXND1-related disorder. Also called: PLXND1-related condition.

Allele frequency attached by ClinVar (database versions not stated): ESP Exome Variant Server 0.00054; gnomAD 0.00066 and 0.00088; TOPMed 0.00076; 1000 Genomes Project 30x 0.00109; gnomAD exomes 0.00110 and 0.00154; 1000 Genomes Project 0.00120; ExAC 0.00148.
gnomAD v4.1: 1,764 of 1,614,198 alleles (0.11%); highest among the groups gnomAD compares: South Asian, 0.81%; 12 homozygotes.

Submissions (3):

Labcorp Genetics (formerly Invitae), Labcorp
Classification: Likely benign. Last evaluated: 2019-12-31. Review status: criteria provided, single submitter. Criteria: Invitae Variant Classification Sherloc (09022015). Collection method: clinical testing. Allele origin: germline.

Breakthrough Genomics
Classification: Likely benign. Review status: criteria provided, single submitter. Criteria: ACMG Guidelines, 2015. Collection method: not provided. Allele origin: germline. Inheritance: Unknown mechanism. Affected: yes.

PreventionGenetics, part of Exact Sciences
Classification: Benign for PLXND1-related condition. Last evaluated: 2019-10-28. Review status: no assertion criteria provided. Collection method: clinical testing. Allele origin: germline. Not counted in ClinVar's aggregate classification.
Comment: This variant is classified as benign based on ACMG/AMP sequence variant interpretation guidelines (Richards et al. 2015 PMID: 25741868, with internal and published modifications).

NM_015103.3(PLXND1):c.3448G>T (p.Val1150Leu)

Gene: PLXND1 (plexin D1; minus strand). Cytogenetic location: 3q22.1.
Variant type: single nucleotide variant.
Coding change: c.3448G>T on transcript NM_015103.3 (MANE Select); coding-DNA position 3448, G replaced by T.
Protein change: p.Val1150Leu; replaces valine 1150 with leucine.
Molecular consequence: missense variant.
Genome position (GRCh38, 1-based): chr3:129,571,192, C>A on the plus strand (G>T on the coding strand, the complement: PLXND1 is on the minus strand). VCF-style: chr3-129571192-C-A. GRCh37 (hg19) VCF-style: chr3-129290035-C-A.
Other names: short protein forms V1150L.
Identifiers: ClinVar variation 733952 (VCV000733952.7), dbSNP rs143564778, ClinGen allele CA2608581.